The following is an entry in ClinVar:

ClinVar aggregate classification (germline): Uncertain significance. Review status: criteria provided, multiple submitters, no conflicts (2 of 4 stars). 4 submissions from 4 submitters: Uncertain significance (4). Last evaluated 2025-09-05.

Conditions:
KIF7-related disorder. Also called: KIF7-related condition.
Acrocallosal syndrome (ACLS). Also called: Schinzel syndrome 1; Absence of corpus callosum with unusual facial appearance, mental deficiency, duplication of the halluces and polydactyly; HALLUX DUPLICATION, POSTAXIAL POLYDACTYLY, AND ABSENCE OF CORPUS CALLOSUM. Identifiers: Orphanet 36, MedGen C0796147, MONDO:0008708, OMIM 200990.
Multiple epiphyseal dysplasia, Al-Gazali type. Also called: Macrocephaly with multiple epiphyseal dysplasia and distinctive facies. Identifiers: Orphanet 166024, MedGen C1846722, MONDO:0011778, OMIM 607131.
Hydrolethalus syndrome 2 (HLS2). Identifiers: Orphanet 2189, MedGen C3279899, MONDO:0013585, OMIM 614120.
Inborn genetic diseases. Identifiers: MedGen C0950123, MeSH D030342.

gnomAD v4.1: 29 of 1,568,130 alleles (0.0018%); highest among the groups gnomAD compares: Non-Finnish European, 0.0023%; no homozygotes.

Submissions (4):

Ambry Genetics
Classification: Uncertain significance for Inborn genetic diseases. Last evaluated: 2025-09-05. Review status: criteria provided, single submitter. Criteria: Ambry Variant Classification Scheme 2023. Collection method: clinical testing. Allele origin: germline.

PreventionGenetics, part of Exact Sciences
Classification: Uncertain significance for KIF7-related condition. Last evaluated: 2025-05-20. Review status: criteria provided, single submitter. Criteria: ACMG Guidelines, 2015. Collection method: clinical testing. Allele origin: germline.
Comment: The KIF7 c.3032G>A variant is predicted to result in the amino acid substitution p.Arg1011His. To our knowledge, this variant has not been reported in the literature. This variant is reported in 0.013% of alleles in individuals of European (Non-Finnish) descent in gnomAD. At this time, the clinical significance of this variant is uncertain due to the absence of conclusive functional and genetic evidence.

GeneDx
Classification: Uncertain significance. Last evaluated: 2024-06-10. Review status: criteria provided, single submitter. Criteria: GeneDx Variant Classification Process June 2021. Collection method: clinical testing. Allele origin: germline. Affected: yes.
Comment: Not observed at significant frequency in large population cohorts (gnomAD); In silico analysis supports that this missense variant has a deleterious effect on protein structure/function; Has not been previously published as pathogenic or benign to our knowledge

Fulgent Genetics
Classification: Uncertain significance for Acrocallosal syndrome; Multiple epiphyseal dysplasia, Al-Gazali type; Hydrolethalus syndrome 2. Last evaluated: 2024-01-05. Review status: criteria provided, single submitter. Criteria: ACMG Guidelines, 2015. Collection method: clinical testing. Allele origin: germline.

NM_198525.3(KIF7):c.3032G>A (p.Arg1011His)

Gene: KIF7 (kinesin family member 7; minus strand). Cytogenetic location: 15q26.1.
Variant type: single nucleotide variant.
Coding change: c.3032G>A on transcript NM_198525.3 (MANE Select); coding-DNA position 3032, G replaced by A.
Protein change: p.Arg1011His; replaces arginine 1011 with histidine.
Molecular consequence: missense variant.
Genome position (GRCh38, 1-based): chr15:89,631,574, C>T on the plus strand (G>A on the coding strand, the complement: KIF7 is on the minus strand). VCF-style: chr15-89631574-C-T. GRCh37 (hg19) VCF-style: chr15-90174805-C-T.
Other names: short protein forms R1011H.
Identifiers: ClinVar variation 3391562 (VCV003391562.4).